The following is an entry in ClinVar:

NM_001127222.2(CACNA1A):c.5094C>T (p.Ile1698=)

Gene: CACNA1A (calcium voltage-gated channel subunit alpha1 A; minus strand). Cytogenetic location: 19p13.13.
Variant type: single nucleotide variant.
Coding change: c.5094C>T on transcript NM_001127222.2 (MANE Select); coding-DNA position 5094, C replaced by T.
Protein change: p.Ile1698=; no amino-acid change (isoleucine 1698 retained).
Molecular consequence: synonymous variant.
Genome position (GRCh38, 1-based): chr19:13,235,248, G>A on the plus strand (C>T on the coding strand, the complement: CACNA1A is on the minus strand). VCF-style: chr19-13235248-G-A. GRCh37 (hg19) VCF-style: chr19-13346062-G-A.
Other names: c.5112C>T, p.Ile1704= (NM_000068.4, NM_023035.3); c.5097C>T, p.Ile1699= (NM_001127221.2); c.5103C>T, p.Ile1701= (NM_001174080.2).
Identifiers: ClinVar variation 1139956 (VCV001139956.32), dbSNP rs201844207, ClinGen allele CA9239827.

ClinVar aggregate classification (germline): Likely benign. Review status: criteria provided, multiple submitters, no conflicts (2 of 4 stars). 3 submissions from 3 submitters: Likely benign (3). Last evaluated 2026-01-01.

Conditions:
Developmental and epileptic encephalopathy, 42 (DEE42A). Also called: Epileptic encephalopathy, early infantile, 42; DEVELOPMENTAL AND EPILEPTIC ENCEPHALOPATHY 42A; EPILEPTIC ENCEPHALOPATHY, EARLY INFANTILE, 42A. Identifiers: MedGen C4310716, MONDO:0014917, OMIM 617106.
Episodic ataxia type 2 (EA2). Also called: ATAXIA, EPISODIC, WITH NYSTAGMUS; ATAXIA, FAMILIAL PAROXYSMAL; CEREBELLAR ATAXIA, PAROXYSMAL, ACETAZOLAMIDE-RESPONSIVE; CEREBELLOPATHY, HEREDITARY PAROXYSMAL; EPISODIC ATAXIA, NYSTAGMUS-ASSOCIATED; ACETAZOLAMIDE-RESPONSIVE HEREDITARY PAROXYSMAL CEREBELLAR ATAXIA. Identifiers: Orphanet 97, MedGen C1720416, MONDO:0007163, OMIM 108500.

Allele frequency attached by ClinVar (database versions not stated): gnomAD 0.00001; 1000 Genomes Project 30x 0.00016; 1000 Genomes Project 0.00020.
gnomAD v4.1: 28 of 1,600,212 alleles (0.0017%); highest among the groups gnomAD compares: East Asian, 0.0023%; no homozygotes.

Submissions (3):

CeGaT Center for Human Genetics Tuebingen
Classification: Likely benign. Last evaluated: 2026-01-01. Review status: criteria provided, single submitter. Criteria: CeGaT Center For Human Genetics Tuebingen Variant Classification Criteria Version 2. Collection method: clinical testing. Allele origin: germline. Affected: yes. Observed: 2 variant alleles.
Comment: CACNA1A: BP4, BP7

Labcorp Genetics (formerly Invitae), Labcorp
Classification: Likely benign for Developmental and epileptic encephalopathy, 42; Episodic ataxia type 2. Last evaluated: 2024-11-26. Review status: criteria provided, single submitter. Criteria: Invitae Variant Classification Sherloc (09022015). Collection method: clinical testing. Allele origin: germline.

Blueprint Genetics
Classification: Likely benign. Last evaluated: 2024-09-13. Review status: criteria provided, single submitter. Criteria: ACMG Guidelines, 2015. Collection method: clinical testing. Allele origin: germline.